The following is an entry in ClinVar:

ClinVar aggregate classification (germline): Conflicting classifications of pathogenicity. Review status: criteria provided, conflicting classifications (1 of 4 stars). 4 submissions from 4 submitters: Likely pathogenic (3); Uncertain significance (1). Last evaluated 2025-10-28.

Conditions:
Intellectual developmental disorder, autosomal dominant 72 (MRD72). Identifiers: Orphanet 652487, MedGen C5830612, MONDO:0957397, OMIM 620439.

Submissions (4):

Variantyx, Inc.
Classification: Likely pathogenic for Intellectual developmental disorder, autosomal dominant 72. Last evaluated: 2025-10-28. Review status: criteria provided, single submitter. Criteria: Variantyx Assertion Criteria 2022. Collection method: clinical testing. Allele origin: germline. Inheritance: Autosomal dominant inheritance. Affected: yes.
Comment: This is a nonsense variant in the SRRM2 gene (OMIM: 606032). Pathogenic variants in this gene have been associated with autosomal dominant intellectual developmental disorder 72. This variant introduces a premature termination codon in exon 2 out of 15 and is expected to result in loss of function, which is a known disease mechanism for SRRM2 in this disorder (PMID: 35567594) (PVS1), but it is absent from control populations (PM2). Based on the current evidence, this variant is classified as likely pathogenic for autosomal dominant intellectual developmental disorder 72.

Laboratorio de Genetica e Diagnostico Molecular, Hospital Israelita Albert Einstein
Classification: Likely pathogenic for Intellectual developmental disorder, autosomal dominant 72. Last evaluated: 2024-07-18. Review status: criteria provided, single submitter. Criteria: ACMG Guidelines, 2015. Collection method: clinical testing. Allele origin: germline. Affected: yes.
Comment: ACMG classification criteria: PVS1 very strong, PM2 supporting

Institute of Human Genetics, University of Leipzig Medical Center
Classification: Likely pathogenic for Intellectual developmental disorder, autosomal dominant 72. Last evaluated: 2024-06-18. Review status: criteria provided, single submitter. Criteria: ACMG Guidelines, 2015. Collection method: clinical testing. Allele origin: unknown. Inheritance: Autosomal dominant inheritance. Affected: yes.
Comment: Criteria applied: PVS1,PM2_SUP

Blueprint Genetics
Classification: Uncertain significance. Last evaluated: 2021-04-16. Review status: criteria provided, single submitter. Criteria: ACMG Guidelines, 2015. Collection method: clinical testing. Allele origin: germline.

Literature cited by the submitters: PubMed 35567594 (cited by Variantyx, Inc.).

NM_016333.4(SRRM2):c.205C>T (p.Arg69Ter)

Gene: SRRM2 (serine/arginine repetitive matrix 2; plus strand). Cytogenetic location: 16p13.3.
Variant type: single nucleotide variant.
Coding change: c.205C>T on transcript NM_016333.4 (MANE Select); coding-DNA position 205, C replaced by T.
Protein change: p.Arg69Ter; replaces arginine 69 with a stop codon.
Molecular consequence: nonsense.
Genome position (GRCh38, 1-based): chr16:2,756,569, C>T. VCF-style: chr16-2756569-C-T. GRCh37 (hg19) VCF-style: chr16-2806570-C-T.
Other names: short protein forms R69*.
Identifiers: ClinVar variation 3358975 (VCV003358975.5).